The following is an entry in ClinVar:

ClinVar aggregate classification (germline): Uncertain significance (1 of 4 stars; one submission).

Conditions:
Charcot-Marie-Tooth disease axonal type 2O. Also called: Charcot-Marie-Tooth disease, axonal, type 20; CHARCOT-MARIE-TOOTH NEUROPATHY, AXONAL, TYPE 2O; CHARCOT-MARIE-TOOTH DISEASE, AXONAL, AUTOSOMAL DOMINANT, TYPE 2O; Charcot-Marie-Tooth Neuropathy Type 2O. Identifiers: Orphanet 284232, MedGen C3280220, MONDO:0013644, OMIM 614228.

Allele frequency attached by ClinVar (database versions not stated): gnomAD exomes below 0.00001 and 0.00001; TOPMed below 0.00001; gnomAD 0.00001; ExAC 0.00004.
gnomAD v4.1: 7 of 1,607,954 alleles (0.00044%); highest among the groups gnomAD compares: East Asian, 0.0022%; no homozygotes.

Submission:

Labcorp Genetics (formerly Invitae), Labcorp
Classification: Uncertain significance for Charcot-Marie-Tooth disease axonal type 2O. Last evaluated: 2024-02-27. Review status: criteria provided, single submitter. Criteria: Invitae Variant Classification Sherloc (09022015). Collection method: clinical testing. Allele origin: germline.
Comment: This sequence change falls in intron 35 of the DYNC1H1 gene. It does not directly change the encoded amino acid sequence of the DYNC1H1 protein. It affects a nucleotide within the consensus splice site. The frequency data for this variant in the population databases is considered unreliable, as metrics indicate poor data quality at this position in the gnomAD database. This variant has not been reported in the literature in individuals affected with DYNC1H1-related conditions. ClinVar contains an entry for this variant (Variation ID: 1478204). Variants that disrupt the consensus splice site are a relatively common cause of aberrant splicing (PMID: 17576681, 9536098). Algorithms developed to predict the effect of sequence changes on RNA splicing suggest that this variant is not likely to affect RNA splicing. In summary, the available evidence is currently insufficient to determine the role of this variant in disease. Therefore, it has been classified as a Variant of Uncertain Significance.

Literature cited by the submitters: PubMed 17576681; PubMed 9536098.

NM_001376.5(DYNC1H1):c.7242+4C>T

Gene: DYNC1H1 (dynein cytoplasmic 1 heavy chain 1; plus strand). Cytogenetic location: 14q32.31.
Variant type: single nucleotide variant.
Coding change: c.7242+4C>T on transcript NM_001376.5 (MANE Select); 4 bases into the intron after coding-DNA position 7242, C replaced by T.
Molecular consequence: intron variant.
Genome position (GRCh38, 1-based): chr14:102,015,336, C>T. VCF-style: chr14-102015336-C-T. GRCh37 (hg19) VCF-style: chr14-102481673-C-T.
Identifiers: ClinVar variation 1478204 (VCV001478204.6), dbSNP rs760664042, ClinGen allele CA7352764.